The following is an entry in ClinVar:

NM_006231.4(POLE):c.1359+5G>A

Gene: POLE (DNA polymerase epsilon, catalytic subunit; minus strand). Cytogenetic location: 12q24.33.
Variant type: single nucleotide variant.
Coding change: c.1359+5G>A on transcript NM_006231.4 (MANE Select); 5 bases into the intron after coding-DNA position 1359, G replaced by A.
Molecular consequence: intron variant.
Genome position (GRCh38, 1-based): chr12:132,673,570, C>T on the plus strand (G>A on the coding strand, the complement: POLE is on the minus strand). VCF-style: chr12-132673570-C-T. GRCh37 (hg19) VCF-style: chr12-133250156-C-T.
Other names: c.1359+5G>A (NM_006231.2).
Identifiers: ClinVar variation 571386 (VCV000571386.15), dbSNP rs761564635, ClinGen allele CA246294507.
Genomic context (GRCh38, chr12:132,673,570, plus strand): 5'-CTGCTCCGTGGCCATCTGGATGCGTGCACACGGCAGCAGGGGCAGCCGGGATGTGGCTTA[C>T]GTGCCTGGGGCTGCTCCGTGGCCATCCGGCACATGTCCTCCGGGTCTAGCTCCACGGGAT-3'

ClinVar aggregate classification (germline): Conflicting classifications of pathogenicity. Review status: criteria provided, conflicting classifications (1 of 4 stars). 5 submissions from 5 submitters: Pathogenic (1); Uncertain significance (4). Last evaluated 2026-01-11.

Conditions:
Intrauterine growth retardation, metaphyseal dysplasia, adrenal hypoplasia congenita, genital anomalies, and immunodeficiency. Also called: IMAGEI SYNDROME. Identifiers: MedGen C5193036, MONDO:0032684, OMIM 618336.
Colorectal cancer, susceptibility to, 12 (CRCS12). Also called: COLORECTAL CANCER, SUSCEPTIBILITY TO, ON CHROMOSOME 12q24. Identifiers: Orphanet 220460, MedGen C3554460, MONDO:0014038, OMIM 615083.
Facial dysmorphism-immunodeficiency-livedo-short stature syndrome. Also called: Facial dysmorphism, immunodeficiency, livedo, and short stature; FILS syndrome. Identifiers: Orphanet 352712, MedGen C3554576, MONDO:0014058, OMIM 615139.
Hereditary cancer-predisposing syndrome. Also called: Hereditary neoplastic syndrome; Tumor predisposition; Neoplastic Syndromes, Hereditary; Hereditary Cancer Syndrome. Identifiers: Orphanet 140162, MedGen C0027672, MeSH D009386, MONDO:0015356.

Allele frequency attached by ClinVar (database versions not stated): gnomAD exomes below 0.00001.
gnomAD v4.1: 1 of 1,611,026 alleles (0.000062%); highest among the groups gnomAD compares: Non-Finnish European, 0.000085%; no homozygotes.

Submissions (5):

Labcorp Genetics (formerly Invitae), Labcorp
Classification: Pathogenic. Last evaluated: 2026-01-11. Review status: criteria provided, single submitter. Criteria: Invitae Variant Classification Sherloc (09022015). Collection method: clinical testing. Allele origin: germline.
Comment: This sequence change falls in intron 13 of the POLE gene. It does not directly change the encoded amino acid sequence of the POLE protein. RNA analysis indicates that this variant induces altered splicing and may result in an absent or altered protein product. The frequency data for this variant in the population databases is considered unreliable, as metrics indicate poor data quality at this position in the gnomAD database. This variant has not been reported in the literature in individuals affected with POLE-related conditions. ClinVar contains an entry for this variant (Variation ID: 571386). Variants that disrupt the consensus splice site are a relatively common cause of aberrant splicing (PMID: 17576681, 9536098). Studies have shown that this variant results in activation of a cryptic splice site, and produces a non-functional protein and/or introduces a premature termination codon (internal data). For these reasons, this variant has been classified as Pathogenic.

Ambry Genetics
Classification: Uncertain significance for Hereditary cancer-predisposing syndrome. Last evaluated: 2024-12-16. Review status: criteria provided, single submitter. Criteria: Ambry Variant Classification Scheme 2023. Collection method: clinical testing. Allele origin: germline.
Comment: The c.1359+5G>A intronic variant results from a G to A substitution 5 nucleotides after coding exon 13 in the POLE gene. This nucleotide position is not well conserved in available vertebrate species. In silico splice site analysis predicts that this alteration will result in the creation or strengthening of a novel splice donor site; however, direct evidence is insufficient at this time (Ambry internal data). Based on the available evidence, the clinical significance of this variant remains unclear.

GeneDx
Classification: Uncertain significance. Last evaluated: 2024-05-24. Review status: criteria provided, single submitter. Criteria: GeneDx Variant Classification Process June 2021. Collection method: clinical testing. Allele origin: germline. Affected: yes.
Comment: Not observed at a significant frequency in large population cohorts (gnomAD); Has not been previously published as pathogenic or benign to our knowledge; In silico analysis is inconclusive as to whether the variant alters gene splicing. In the absence of RNA/functional studies, the actual effect of this sequence change is unknown.

Quest Diagnostics Nichols Institute San Juan Capistrano
Classification: Uncertain significance. Last evaluated: 2024-05-23. Review status: criteria provided, single submitter. Criteria: Quest Diagnostics criteria. Collection method: clinical testing. Allele origin: unknown.
Comment: The POLE c.1359+5G>A variant has not been reported in individuals with POLE-related conditions in the published literature. However, this variant has been reported to interfere with normal POLE mRNA splicing (Invitae, personal communication regarding ClinVar ID 571386). The frequency of this variant in the general population, 0.000004 (1/248456 chromosomes (Genome Aggregation Database)), is uninformative in the assessment of its pathogenicity. Analysis of this variant using software algorithms for the prediction of the effect of nucleotide changes on POLE mRNA splicing yielded inconclusive findings. Based on the available information, we are unable to determine the clinical significance of this variant.

Fulgent Genetics
Classification: Uncertain significance for Colorectal cancer, susceptibility to, 12; Facial dysmorphism-immunodeficiency-livedo-short stature syndrome; Intrauterine growth retardation, metaphyseal dysplasia, adrenal hypoplasia congenita, genital anomalies, and immunodeficiency. Last evaluated: 2024-02-23. Review status: criteria provided, single submitter. Criteria: ACMG Guidelines, 2015. Collection method: clinical testing. Allele origin: germline.

Literature cited by the submitters: PubMed 17576681 (cited by Labcorp Genetics (formerly Invitae), Labcorp); PubMed 9536098 (cited by Labcorp Genetics (formerly Invitae), Labcorp).